The following is an entry in ClinVar:

ClinVar aggregate classification (germline): Pathogenic (1 of 4 stars; one submission).

Conditions:
TH-deficient dopa-responsive dystonia. Also called: Segawa syndrome, autosomal recessive; Tyrosine Hydroxylase-Deficient Dopa-Responsive Dystonia; DYT-TH. Identifiers: Orphanet 101150, MedGen C2673535, MONDO:0011551, OMIM 605407.

Submission:

Myriad Genetics, Inc.
Classification: Pathogenic for TH-deficient dopa-responsive dystonia. Last evaluated: 2023-09-27. Review status: criteria provided, single submitter. Criteria: Myriad Autosomal Dominant, Autosomal Recessive and X-Linked Classification Criteria (2023). Collection method: clinical testing. Allele origin: unknown.
Comment: NM_199292.2(TH):c.968dupG(L324Pfs*33) is expected to be pathogenic in the context of tyrosine hydroxylase deficiency. This variant is predicted to lead to an abnormal or absent protein product due to the creation of a premature termination codon in TH, a gene where loss-of-function variants are known to be pathogenic. Please note: this variant was assessed in the context of healthy population screening.

NM_000360.4(TH):c.875dup (p.Leu293fs)

Gene: TH (tyrosine hydroxylase; minus strand). Cytogenetic location: 11p15.5.
Variant type: Duplication.
Coding change: c.875dup on transcript NM_000360.4 (MANE Select); coding-DNA position 875, one base duplicated (G; older notation c.875dupG).
Protein change: p.Leu293fs; shifts the reading frame from leucine 293.
Molecular consequence: frameshift variant. On other transcripts: intron variant (2).
Genome position (GRCh38, 1-based): chr11:2,166,735, C duplicated on the plus strand (G on the coding strand, the reverse complement: TH is on the minus strand); the first of 2 consecutive C bases (chr11:2,166,735-2,166,736); duplicating either gives the same sequence. VCF-style (leftmost placement, unchanged base first): chr11-2166734-G-GC. GRCh37 (hg19) VCF-style: chr11-2187964-G-GC.
Other names: c.887dup, p.Leu297fs (NM_001440535.1); c.968dup, p.Leu324fs (NM_199292.3); c.956dup, p.Leu320fs (NM_199293.3); c.696-186dup (NM_001440537.1); c.708-186dup (NM_001440536.1); short protein forms L293fs, L297fs, L320fs, L324fs.
Identifiers: ClinVar variation 5012169 (VCV005012169.1).